The following is an entry in ClinVar:

ClinVar aggregate classification (germline): Uncertain significance (1 of 4 stars; one submission).

Conditions:
Hereditary cancer-predisposing syndrome. Also called: Neoplastic Syndromes, Hereditary; Tumor predisposition; Hereditary Cancer Syndrome; Hereditary neoplastic syndrome. Identifiers: Orphanet 140162, MedGen C0027672, MeSH D009386, MONDO:0015356.

Submission:

Ambry Genetics
Classification: Uncertain significance for Hereditary cancer-predisposing syndrome. Last evaluated: 2022-05-07. Review status: criteria provided, single submitter. Criteria: Ambry Variant Classification Scheme 2023. Collection method: clinical testing. Allele origin: germline.
Comment: The p.G424D variant (also known as c.1271G>A), located in coding exon 8 of the KIT gene, results from a G to A substitution at nucleotide position 1271. The glycine at codon 424 is replaced by aspartic acid, an amino acid with similar properties. This amino acid position is conserved. In addition, this alteration is predicted to be tolerated by in silico analysis. Since supporting evidence is limited at this time, the clinical significance of this alteration remains unclear.

NM_000222.3(KIT):c.1271G>A (p.Gly424Asp)

Gene: KIT (KIT proto-oncogene, receptor tyrosine kinase; plus strand). Cytogenetic location: 4q12.
Variant type: single nucleotide variant.
Coding change: c.1271G>A on transcript NM_000222.3 (MANE Select); coding-DNA position 1271, G replaced by A.
Protein change: p.Gly424Asp; replaces glycine 424 with aspartic acid.
Molecular consequence: missense variant.
Genome position (GRCh38, 1-based): chr4:54,723,623, G>A. VCF-style: chr4-54723623-G-A. GRCh37 (hg19) VCF-style: chr4-55589789-G-A.
Other names: c.1271G>A, p.Gly424Asp (NM_001093772.2, NM_001385285.1, NM_001385286.1); c.1274G>A, p.Gly425Asp (NM_001385284.1, NM_001385288.1, NM_001385290.1 and 1 more transcripts); short protein forms G424D, G425D.
Identifiers: ClinVar variation 1765609 (VCV001765609.2), dbSNP rs2109760781, ClinGen allele CA356905486.